The following is an entry in ClinVar:

NM_001042492.3(NF1):c.462del (p.Phe154fs)

Gene: NF1 (neurofibromin 1; plus strand). Cytogenetic location: 17q11.2.
Variant type: Deletion.
Coding change: c.462del on transcript NM_001042492.3 (MANE Select); coding-DNA position 462, one base deleted (T; older notation c.462delT).
Protein change: p.Phe154fs; shifts the reading frame from phenylalanine 154.
Molecular consequence: frameshift variant.
Genome position (GRCh38, 1-based): chr17:31,163,359, T deleted; the last of 3 consecutive T bases (chr17:31,163,357-31,163,359); deleting any one gives the same sequence. VCF-style (leftmost placement, unchanged base first): chr17-31163356-CT-C. GRCh37 (hg19) VCF-style: chr17-29490374-CT-C.
Other names: c.462del, p.Phe154fs (NM_000267.4, NM_001128147.3); short protein forms F154fs.
Identifiers: ClinVar variation 4715270 (VCV004715270.1).

ClinVar aggregate classification (germline): Pathogenic (1 of 4 stars; one submission).

Conditions:
Neurofibromatosis, type 1 (NF1). Also called: VON RECKLINGHAUSEN DISEASE; Peripheral type neurofibromatosis; NEUROFIBROMATOSIS, TYPE I, SOMATIC; Neurofibromatosis, type I. Identifiers: Orphanet 636, MedGen C0027831, MONDO:0018975, OMIM 162200. Disease mechanism: loss of function.

Submission:

Labcorp Genetics (formerly Invitae), Labcorp
Classification: Pathogenic for Neurofibromatosis, type 1. Last evaluated: 2025-03-17. Review status: criteria provided, single submitter. Criteria: Invitae Variant Classification Sherloc (09022015). Collection method: clinical testing. Allele origin: germline.
Comment: This sequence change creates a premature translational stop signal (p.Phe154Leufs*11) in the NF1 gene. It is expected to result in an absent or disrupted protein product. Loss-of-function variants in NF1 are known to be pathogenic (PMID: 10712197, 23913538). This variant is not present in population databases (gnomAD no frequency). This variant has not been reported in the literature in individuals affected with NF1-related conditions. For these reasons, this variant has been classified as Pathogenic.

Literature cited by the submitters: PubMed 10712197; PubMed 23913538.